The following is an entry in ClinVar:

NM_018238.4(AGK):c.29A>G (p.Asn10Ser)

Gene: AGK (acylglycerol kinase; plus strand). Cytogenetic location: 7q34.
Variant type: single nucleotide variant.
Coding change: c.29A>G on transcript NM_018238.4 (MANE Select); coding-DNA position 29, A replaced by G.
Protein change: p.Asn10Ser; replaces asparagine 10 with serine.
Molecular consequence: missense variant.
Genome position (GRCh38, 1-based): chr7:141,555,495, A>G. VCF-style: chr7-141555495-A-G. GRCh37 (hg19) VCF-style: chr7-141255295-A-G.
Other names: p.N10S:AAT>AGT; c.29A>G, p.Asn10Ser (NM_001364948.3); short protein forms N10S.
Identifiers: ClinVar variation 214077 (VCV000214077.21), dbSNP rs35269563, ClinGen allele CA321402.

ClinVar aggregate classification (germline): Conflicting classifications of pathogenicity. Review status: criteria provided, conflicting classifications (1 of 4 stars). 8 submissions from 8 submitters: Uncertain significance (1); Likely benign (6). 1 of the submissions does not count toward it. Last evaluated 2026-02-18.

Conditions:
AGK-related disorder. Also called: AGK-related disorders; AGK-related condition. Identifiers: MedGen CN239194.
Inborn genetic diseases. Identifiers: MedGen C0950123, MeSH D030342.
Sengers syndrome. Also called: Cardiomyopathy and cataract; MITOCHONDRIAL DNA DEPLETION SYNDROME 10 (CARDIOMYOPATHIC TYPE). Identifiers: Orphanet 1369, MedGen C1859317, MONDO:0008922, OMIM 212350.
Cataract 38. Also called: Cataract, autosomal recessive congenital 5; Cataract 38, autosomal recessive. Identifiers: Orphanet 91492, MedGen C3553494, MONDO:0013859, OMIM 614691.

Allele frequency attached by ClinVar (database versions not stated): gnomAD exomes 0.00013 and 0.00031; ExAC 0.00043; 1000 Genomes Project 30x 0.00125; 1000 Genomes Project 0.00140; gnomAD 0.00147 and 0.00161; ESP Exome Variant Server 0.00154; TOPMed 0.00175.
gnomAD v4.1: 415 of 1,614,104 alleles (0.026%); highest among the groups gnomAD compares: African/African-American, 0.51%; 2 homozygotes.

Submissions (8):

Women's Health and Genetics/Laboratory Corporation of America, LabCorp
Classification: Likely benign. Last evaluated: 2026-02-18. Review status: criteria provided, single submitter. Criteria: LabCorp Variant Classification Summary - May 2015. Collection method: clinical testing. Allele origin: germline.
Comment: Variant summary: AGK c.29A>G (p.Asn10Ser) results in a conservative amino acid change in the encoded protein sequence. Algorithms developed to predict the effect of missense changes on protein structure and function are either unavailable or do not agree on the potential impact of this missense change. The variant allele was found at a frequency of 0.00031 in 251314 control chromosomes, predominantly at a frequency of 0.0047 within the African or African-American subpopulation in the gnomAD database. The observed variant frequency within African or African-American control individuals in the gnomAD database exceeds the estimated maximal expected allele frequency for disease-causing variants in AGK. To our knowledge, no occurrence of c.29A>G in individuals affected with AGK-related conditions and no experimental evidence demonstrating its impact on protein function have been reported. ClinVar contains an entry for this variant (Variation ID: 214077). Based on the evidence outlined above, the variant was classified as likely benign.

Labcorp Genetics (formerly Invitae), Labcorp
Classification: Likely benign for Sengers syndrome; Cataract 38. Last evaluated: 2026-01-11. Review status: criteria provided, single submitter. Criteria: Invitae Variant Classification Sherloc (09022015). Collection method: clinical testing. Allele origin: germline.

Blueprint Genetics
Classification: Likely benign. Last evaluated: 2024-11-13. Review status: criteria provided, single submitter. Criteria: ACMG Guidelines, 2015. Collection method: clinical testing. Allele origin: germline.

Ambry Genetics
Classification: Likely benign for Inborn genetic diseases. Last evaluated: 2021-07-16. Review status: criteria provided, single submitter. Criteria: Ambry Variant Classification Scheme 2023. Collection method: clinical testing. Allele origin: germline.

GeneDx
Classification: Likely benign. Last evaluated: 2020-12-22. Review status: criteria provided, single submitter. Criteria: GeneDx Variant Classification Process June 2021. Collection method: clinical testing. Allele origin: germline. Affected: yes.

Revvity Omics, Revvity
Classification: Uncertain significance. Last evaluated: 2020-02-10. Review status: criteria provided, single submitter. Criteria: ACMG Guidelines, 2015. Collection method: clinical testing. Allele origin: germline.

Breakthrough Genomics
Classification: Likely benign. Review status: criteria provided, single submitter. Criteria: ACMG Guidelines, 2015. Collection method: not provided. Allele origin: germline. Inheritance: Autosomal recessive inheritance. Affected: yes.

PreventionGenetics, part of Exact Sciences
Classification: Likely benign for AGK-related condition. Last evaluated: 2020-02-07. Review status: no assertion criteria provided. Collection method: clinical testing. Allele origin: germline. Not counted in ClinVar's aggregate classification.
Comment: This variant is classified as likely benign based on ACMG/AMP sequence variant interpretation guidelines (Richards et al. 2015 PMID: 25741868, with internal and published modifications).